The following is an entry in ClinVar:

NM_001130965.3(SUN1):c.1505T>C (p.Val502Ala)

Gene: SUN1 (Sad1 and UNC84 domain containing 1; plus strand). Cytogenetic location: 7p22.3.
Variant type: single nucleotide variant.
Coding change: c.1505T>C on transcript NM_001130965.3 (MANE Select); coding-DNA position 1505, T replaced by C.
Protein change: p.Val502Ala; replaces valine 502 with alanine.
Molecular consequence: missense variant. On other transcripts: non-coding transcript variant (3).
Genome position (GRCh38, 1-based): chr7:857,938, T>C. VCF-style: chr7-857938-T-C. GRCh37 (hg19) VCF-style: chr7-897575-T-C.
Other names: c.1505T>C (NM_001130965.2); c.1322T>C, p.Val441Ala (NM_001367660.1); c.1352T>C, p.Val451Ala (NM_001367662.1, NM_001367671.1); c.1616T>C, p.Val539Ala (NM_001367664.1, NM_001367685.1); c.1502T>C, p.Val501Ala (NM_001367665.1, NM_001367694.1); c.1748T>C, p.Val583Ala (NM_001367666.1); c.1466T>C, p.Val489Ala (NM_001367667.1, NM_001367689.1); c.1547T>C, p.Val516Ala (NM_001367668.1, NM_001367647.1); and 44 more; short protein forms V264A, V349A, V446A, V452A, V476A, V518A, V529A, V546A.
Identifiers: ClinVar variation 1042397 (VCV001042397.9), dbSNP rs1829005584, ClinGen allele CA366533168.

ClinVar aggregate classification (germline): Uncertain significance. Review status: criteria provided, multiple submitters, no conflicts (2 of 4 stars). 2 submissions from 2 submitters: Uncertain significance (2). Last evaluated 2025-10-17.

Conditions:
Emery-Dreifuss muscular dystrophy (EDMD). Also called: Scapuloperoneal syndrome, X-linked (formerly); Humeroperoneal neuromuscular disease, (formerly). Identifiers: Orphanet 261, MedGen C0410189, MONDO:0016830.

Allele frequency attached by ClinVar (database versions not stated): gnomAD exomes below 0.00001.
gnomAD v4.1: 8 of 1,590,706 alleles (0.0005%); highest among the groups gnomAD compares: African/African-American, 0.008%; no homozygotes.

Submissions (2):

Ambry Genetics
Classification: Uncertain significance. Last evaluated: 2025-10-17. Review status: criteria provided, single submitter. Criteria: Ambry Variant Classification Scheme 2023. Collection method: clinical testing. Allele origin: germline.

Labcorp Genetics (formerly Invitae), Labcorp
Classification: Uncertain significance for Emery-Dreifuss muscular dystrophy. Last evaluated: 2022-03-18. Review status: criteria provided, single submitter. Criteria: Invitae Variant Classification Sherloc (09022015). Collection method: clinical testing. Allele origin: germline.
Comment: In summary, the available evidence is currently insufficient to determine the role of this variant in disease. Therefore, it has been classified as a Variant of Uncertain Significance. This sequence change replaces valine, which is neutral and non-polar, with alanine, which is neutral and non-polar, at codon 502 of the SUN1 protein (p.Val502Ala). This variant is not present in population databases (gnomAD no frequency). This variant has not been reported in the literature in individuals affected with SUN1-related conditions. ClinVar contains an entry for this variant (Variation ID: 1042397). Algorithms developed to predict the effect of missense changes on protein structure and function output the following: SIFT: "Tolerated"; PolyPhen-2: "Benign"; Align-GVGD: "Class C0". The alanine amino acid residue is found in multiple mammalian species, which suggests that this missense change does not adversely affect protein function.